The following is an entry in ClinVar:

ClinVar aggregate classification (germline): Likely benign (1 of 4 stars; one submission).

Allele frequency attached by ClinVar (database versions not stated): ESP Exome Variant Server 0.00008; gnomAD 0.00008; TOPMed 0.00009; ExAC 0.00011.
gnomAD v4.1: 111 of 1,610,264 alleles (0.0069%); highest among the groups gnomAD compares: African/African-American, 0.012%; no homozygotes.

Submission:

CeGaT Center for Human Genetics Tuebingen
Classification: Likely benign. Last evaluated: 2023-06-01. Review status: criteria provided, single submitter. Criteria: CeGaT Center For Human Genetics Tuebingen Variant Classification Criteria Version 2. Collection method: clinical testing. Allele origin: germline. Affected: yes. Observed: 1 variant allele.
Comment: SCG5: BP4, BP7

NM_001144757.3(SCG5):c.507C>T (p.Tyr169=)

Genes: ARHGAP11A-SCG5 (ARHGAP11A-SCG5 readthrough; plus strand), SCG5 (secretogranin V; plus strand). Cytogenetic location: 15q13.3.
Variant type: single nucleotide variant.
Coding change: c.507C>T on transcript NM_001144757.3 (MANE Select); coding-DNA position 507, C replaced by T.
Protein change: p.Tyr169=; no amino-acid change (tyrosine 169 retained).
Molecular consequence: synonymous variant. On other transcripts: intron variant (2).
Genome position (GRCh38, 1-based): chr15:32,691,727, C>T. VCF-style: chr15-32691727-C-T. GRCh37 (hg19) VCF-style: chr15-32983928-C-T.
Other names: c.1746C>T, p.Tyr582= (NM_001368319.1); c.504C>T, p.Tyr168= (NM_003020.5); c.490-4787C>T (NM_001394278.1); c.487-4787C>T (NM_001394279.1).
Identifiers: ClinVar variation 2645129 (VCV002645129.24), dbSNP rs376492769, ClinGen allele CA7455985.